The following is an entry in ClinVar:

NM_001041.4(SI):c.1169A>G (p.Asp390Gly)

Gene: SI (sucrase-isomaltase; minus strand). Cytogenetic location: 3q26.1.
Variant type: single nucleotide variant.
Coding change: c.1169A>G on transcript NM_001041.4 (MANE Select); coding-DNA position 1169, A replaced by G.
Protein change: p.Asp390Gly; replaces aspartic acid 390 with glycine.
Molecular consequence: missense variant.
Genome position (GRCh38, 1-based): chr3:165,059,277, T>C on the plus strand (A>G on the coding strand, the complement: SI is on the minus strand). VCF-style: chr3-165059277-T-C. GRCh37 (hg19) VCF-style: chr3-164777065-T-C.
Other names: c.1169A>G (NM_001041.3); short protein forms D390G.
Identifiers: ClinVar variation 1966710 (VCV001966710.7), dbSNP rs1481268075, ClinGen allele CA355029967.

ClinVar aggregate classification (germline): Uncertain significance. Review status: criteria provided, multiple submitters, no conflicts (2 of 4 stars). 3 submissions from 3 submitters: Uncertain significance (3). Last evaluated 2024-06-20.

Conditions:
Sucrase-isomaltase deficiency (CSID). Also called: Deficiency of isomaltase; SI DEFICIENCY; Congenital sucrose isomaltose malabsorption; Sucrose isomaltose enzyme deficiency. Identifiers: Orphanet 35122, MedGen C1283620, MONDO:0009114, OMIM 222900.

Allele frequency attached by ClinVar (database versions not stated): gnomAD 0.00001; gnomAD exomes 0.00001; TOPMed 0.00001.
gnomAD v4.1: 12 of 1,612,460 alleles (0.00074%); highest among the groups gnomAD compares: Non-Finnish European, 0.001%; no homozygotes.

Submissions (3):

Fulgent Genetics
Classification: Uncertain significance for Sucrase-isomaltase deficiency. Last evaluated: 2024-06-20. Review status: criteria provided, single submitter. Criteria: ACMG Guidelines, 2015. Collection method: clinical testing. Allele origin: germline.

GeneDx
Classification: Uncertain significance. Last evaluated: 2023-03-24. Review status: criteria provided, single submitter. Criteria: GeneDx Variant Classification Process June 2021. Collection method: clinical testing. Allele origin: germline. Affected: yes.
Comment: Not observed at significant frequency in large population cohorts (gnomAD); In silico analysis supports that this missense variant has a deleterious effect on protein structure/function; Has not been previously published as pathogenic or benign to our knowledge

Labcorp Genetics (formerly Invitae), Labcorp
Classification: Uncertain significance. Last evaluated: 2022-07-18. Review status: criteria provided, single submitter. Criteria: Invitae Variant Classification Sherloc (09022015). Collection method: clinical testing. Allele origin: germline.
Comment: In summary, the available evidence is currently insufficient to determine the role of this variant in disease. Therefore, it has been classified as a Variant of Uncertain Significance. Advanced modeling of protein sequence and biophysical properties (such as structural, functional, and spatial information, amino acid conservation, physicochemical variation, residue mobility, and thermodynamic stability) performed at Invitae indicates that this missense variant is expected to disrupt SI protein function. This variant has not been reported in the literature in individuals affected with SI-related conditions. This variant is not present in population databases (gnomAD no frequency). This sequence change replaces aspartic acid, which is acidic and polar, with glycine, which is neutral and non-polar, at codon 390 of the SI protein (p.Asp390Gly).